The following is an entry in ClinVar:

ClinVar aggregate classification (germline): Uncertain significance (1 of 4 stars; one submission).

Conditions:
Baller-Gerold syndrome (BGS). Also called: CRANIOSYNOSTOSIS WITH RADIAL DEFECTS. Identifiers: Orphanet 1225, MedGen C0265308, MONDO:0009039, OMIM 218600.

Submission:

Labcorp Genetics (formerly Invitae), Labcorp
Classification: Uncertain significance for Baller-Gerold syndrome. Last evaluated: 2024-04-15. Review status: criteria provided, single submitter. Criteria: Invitae Variant Classification Sherloc (09022015). Collection method: clinical testing. Allele origin: germline.
Comment: This variant, c.2326_2334del, results in the deletion of 3 amino acid(s) of the RECQL4 protein (p.Met776_Leu778del), but otherwise preserves the integrity of the reading frame. This variant is not present in population databases (gnomAD no frequency). This variant has not been reported in the literature in individuals affected with RECQL4-related conditions. Experimental studies and prediction algorithms are not available or were not evaluated, and the functional significance of this variant is currently unknown. In summary, the available evidence is currently insufficient to determine the role of this variant in disease. Therefore, it has been classified as a Variant of Uncertain Significance.

NM_004260.4(RECQL4):c.2326_2334del (p.Met776_Leu778del)

Gene: RECQL4 (RecQ like helicase 4; minus strand). Cytogenetic location: 8q24.3.
Variant type: Deletion.
Coding change: c.2326_2334del on transcript NM_004260.4 (MANE Select); coding-DNA positions 2326 to 2334, 9 bases deleted (ATGGGGCTG; older notation c.2326_2334delATGGGGCTG).
Protein change: p.Met776_Leu778del.
Molecular consequence: inframe deletion. On other transcripts: non-coding transcript variant (3), intron variant (3).
Genome position (GRCh38, 1-based): chr8:144,513,347-144,513,355, CAGCCCCAT deleted on the plus strand (ATGGGGCTG on the coding strand, the reverse complement: RECQL4 is on the minus strand); deleting any 9 consecutive bases within chr8:144,513,347-144,513,356 gives the same sequence; the c. name uses the placement nearest the transcript's 3' end. VCF-style (leftmost placement, unchanged base first): chr8-144513346-CCAGCCCCAT-C. GRCh37 (hg19) VCF-style: chr8-145738729-CCAGCCCCAT-C.
Other names: c.1255_1263del, p.Met419_Leu421del (NM_001413035.1, NM_001413040.1, NM_001413021.1 and 5 more transcripts); c.2326_2334del, p.Met776_Leu778del (NM_001413036.1, NM_001413019.1); c.1123_1131del, p.Met375_Leu377del (NM_001413037.1); c.2296_2304del, p.Met766_Leu768del (NM_001413039.1); c.1189_1197del, p.Met397_Leu399del (NM_001413041.1, NM_001413027.1, NM_001413030.1 and 1 more transcripts); c.1225_1233del, p.Met409_Leu411del (NM_001413042.1); c.859_867del, p.Met287_Leu289del (NM_001413043.1); c.2169+61_2169+69del (NM_001413017.1); and 7 more.
Identifiers: ClinVar variation 2749976 (VCV002749976.3), dbSNP rs2538010728, ClinGen allele CA2697550245.
Genomic context (GRCh38, chr8:144,513,346, plus strand): 5'-CGTAGCTCTCGAAGCTTGGGGGCAGCCCCAGATGCAGCACAGCCCGCACATCTGGCCGGT[CCAGCCCCAT>C]CCCAAAGGCCACCGTGGCCACCACCACCCGCAACTGGCCCTGCATGAAGGCTCGCTGTAC-3'